The following continues an entry in ClinVar:

NM_000243.3(MEFV):c.2282G>A (p.Arg761His)

Gene: MEFV. ClinVar aggregate classification (germline): Pathogenic/Likely pathogenic. Pathogenic (28); Likely pathogenic (7).

Submissions 32 to 41 of 41:

Eurofins Ntd Llc (ga)
Classification: Pathogenic. Last evaluated: 2016-03-14. Review status: criteria provided, single submitter. Criteria: EGL Classification Definitions 2015. Collection method: clinical testing. Allele origin: germline. Observed: 1 variant allele, 1 heterozygote.

Clinical Genetics and Genomics, Karolinska University Hospital
Classification: Pathogenic. Last evaluated: 2014-07-28. Review status: criteria provided, single submitter. Criteria: ACMG Guidelines, 2015. Collection method: clinical testing. Allele origin: germline. Affected: yes. Observed: 11 variant alleles.

Juno Genomics, Hangzhou Juno Genomics, Inc
Classification: Pathogenic for Familial Mediterranean fever. Review status: criteria provided, single submitter. Criteria: ACMG Guidelines, 2015. Collection method: clinical testing. Allele origin: germline. Affected: yes.
Comment: For recessive disorders, detected in trans with a pathogenic variant.;Patient's phenotype or family history is highly specific for a disease with a single genetic etiology.;Co-segregation with disease in multiple affected family members.

Kariminejad - Najmabadi Pathology & Genetics Center
Classification: Pathogenic for Familial Mediterranean fever. Review status: criteria provided, single submitter. Criteria: ACMG Guidelines, 2015. Collection method: clinical testing. Allele origin: germline. Affected: no.

OMIM
Classification: Pathogenic for FAMILIAL MEDITERRANEAN FEVER. Last evaluated: 1998-08-01. Review status: no assertion criteria provided. Collection method: literature only. Allele origin: germline. Not counted in ClinVar's aggregate classification.

Clinical Genetics DNA and cytogenetics Diagnostics Lab, Erasmus MC, Erasmus Medical Center
Classification: Pathogenic. Review status: no assertion criteria provided. Collection method: clinical testing. Allele origin: germline. Affected: yes. Study: VKGL Data-share Consensus. Not counted in ClinVar's aggregate classification.

GeneReviews
No classification provided. Condition: Familial Mediterranean fever. Review status: no classification provided. Collection method: literature only. Allele origin: germline. Affected: yes. Not counted in ClinVar's aggregate classification.

Genome Diagnostics Laboratory, University Medical Center Utrecht
Classification: Pathogenic. Review status: no assertion criteria provided. Collection method: clinical testing. Allele origin: germline. Affected: yes. Study: VKGL Data-share Consensus. Not counted in ClinVar's aggregate classification.

Joint Genome Diagnostic Labs from Nijmegen and Maastricht, Radboudumc and MUMC+
Classification: Likely pathogenic. Review status: no assertion criteria provided. Collection method: clinical testing. Allele origin: germline. Affected: yes. Study: VKGL Data-share Consensus. Not counted in ClinVar's aggregate classification.

Unité médicale des maladies autoinflammatoires, CHRU Montpellier
No classification provided. Condition: Familial Mediterranean fever. Review status: no classification provided. Collection method: not provided. Allele origin: unknown. Not counted in ClinVar's aggregate classification.

Literature cited by the submitters: PubMed 9668175 (cited by 9 submitters); PubMed 20217092 (cited by 3billion); PubMed 17566872 (cited by 4 submitters); PubMed 21413889 (cited by 3 submitters); PubMed 23031807 (cited by 3 submitters); PubMed 23038988 (cited by 3 submitters); PubMed 23907647 (cited by 6 submitters); PubMed 25393764 (cited by 4 submitters); PubMed 26351556 (cited by 3 submitters); PubMed 27980538 (cited by 4 submitters); PubMed 27659338 (cited by Center for Genomic Medicine, Rigshospitalet, Copenhagen University Hospital and Laboratory for Molecular Medicine, Mass General Brigham Personalized Medicine); PubMed 34509650 (cited by Center for Genomic Medicine, Rigshospitalet, Copenhagen University Hospital); PubMed 22614345 (cited by Natera, Inc.); PubMed 27621632 (cited by Laboratory for Molecular Medicine, Mass General Brigham Personalized Medicine); PubMed 24071932 (cited by 3 submitters); PubMed 25648235 (cited by 3 submitters); PubMed 19863562 (cited by 3 submitters); PubMed 20485448 (cited by Ambry Genetics and Women's Health and Genetics/Laboratory Corporation of America, LabCorp); PubMed 29080837 (cited by Ambry Genetics); PubMed 16378925 (cited by Myriad Genetics, Inc. and Quest Diagnostics Nichols Institute San Juan Capistrano); PubMed 23588594 (cited by Quest Diagnostics Nichols Institute San Juan Capistrano); PubMed 22975760 (cited by Quest Diagnostics Nichols Institute San Juan Capistrano); PubMed 10612841 (cited by Quest Diagnostics Nichols Institute San Juan Capistrano and Women's Health and Genetics/Laboratory Corporation of America, LabCorp); PubMed 10364520 (cited by Women's Health and Genetics/Laboratory Corporation of America, LabCorp); PubMed 10090880 (cited by Women's Health and Genetics/Laboratory Corporation of America, LabCorp); PubMed 19449169 (cited by Women's Health and Genetics/Laboratory Corporation of America, LabCorp); PubMed 15951859 (cited by Women's Health and Genetics/Laboratory Corporation of America, LabCorp); PubMed 25703702 (cited by Women's Health and Genetics/Laboratory Corporation of America, LabCorp); PubMed 16627024 (cited by GeneReviews); NCBI Bookshelf NBK1227 (cited by GeneReviews).